The following is an entry in ClinVar:

NM_003640.5(ELP1):c.1190-249C>T

Gene: ELP1 (elongator acetyltransferase complex subunit 1; minus strand). Cytogenetic location: 9q31.3.
Variant type: single nucleotide variant.
Coding change: c.1190-249C>T on transcript NM_003640.5 (MANE Select); 249 bases into the intron before coding-DNA position 1190, C replaced by T.
Molecular consequence: intron variant.
Genome position (GRCh38, 1-based): chr9:108,911,429, G>A on the plus strand (C>T on the coding strand, the complement: ELP1 is on the minus strand). VCF-style: chr9-108911429-G-A. GRCh37 (hg19) VCF-style: chr9-111673709-G-A.
Other names: c.848-249C>T (NM_001318360.2); c.143-249C>T (NM_001330749.2).
Identifiers: ClinVar variation 681862 (VCV000681862.2), dbSNP rs2297580, ClinGen allele CA15620104.

ClinVar aggregate classification (germline): Benign. Review status: criteria provided, multiple submitters, no conflicts (2 of 4 stars). 2 submissions from 2 submitters: Benign (2). Last evaluated 2018-06-19.

Allele frequency attached by ClinVar (database versions not stated): gnomAD 0.11355 and 0.11601; TOPMed 0.12490; 1000 Genomes Project 0.13478; 1000 Genomes Project 30x 0.13944.

Submissions (2):

GeneDx
Classification: Benign. Last evaluated: 2018-06-19. Review status: criteria provided, single submitter. Criteria: GeneDx Variant Classification (06012015). Collection method: clinical testing. Allele origin: germline. Affected: yes.
Comment: This variant is considered likely benign or benign based on one or more of the following criteria: it is a conservative change, it occurs at a poorly conserved position in the protein, it is predicted to be benign by multiple in silico algorithms, and/or has population frequency not consistent with disease.

Breakthrough Genomics
Classification: Benign. Review status: criteria provided, single submitter. Criteria: ACMG Guidelines, 2015. Collection method: not provided. Allele origin: germline. Inheritance: Autosomal recessive inheritance. Affected: yes.